The following is an entry in ClinVar:

ClinVar aggregate classification (germline): Uncertain significance. Review status: criteria provided, multiple submitters, no conflicts (2 of 4 stars). 2 submissions from 2 submitters: Uncertain significance (2). Last evaluated 2024-02-16.

Conditions:
Inborn genetic diseases. Identifiers: MedGen C0950123, MeSH D030342.
Autosomal dominant nonsyndromic hearing loss 1. Also called: KONIGSMARK SYNDROME; DEAFNESS, AUTOSOMAL DOMINANT 1, WITH OR WITHOUT THROMBOCYTOPENIA. Identifiers: Orphanet 90635, MedGen C1852282, MONDO:0007424, OMIM 124900.
Progressive microcephaly-seizures-cortical blindness-developmental delay syndrome. Also called: Seizures, cortical blindness, and microcephaly syndrome. Identifiers: Orphanet 477814, MedGen C5567650, MONDO:0014714, OMIM 616632.

Submissions (2):

Labcorp Genetics (formerly Invitae), Labcorp
Classification: Uncertain significance for Progressive microcephaly-seizures-cortical blindness-developmental delay syndrome; Autosomal dominant nonsyndromic hearing loss 1. Last evaluated: 2024-02-16. Review status: criteria provided, single submitter. Criteria: Invitae Variant Classification Sherloc (09022015). Collection method: clinical testing. Allele origin: germline.
Comment: This sequence change replaces methionine, which is neutral and non-polar, with isoleucine, which is neutral and non-polar, at codon 1162 of the DIAPH1 protein (p.Met1162Ile). This variant is present in population databases (no rsID available, gnomAD 0.0009%). This variant has not been reported in the literature in individuals affected with DIAPH1-related conditions. ClinVar contains an entry for this variant (Variation ID: 578439). An algorithm developed to predict the effect of missense changes on protein structure and function (PolyPhen-2) suggests that this variant is likely to be tolerated. In summary, the available evidence is currently insufficient to determine the role of this variant in disease. Therefore, it has been classified as a Variant of Uncertain Significance.

Ambry Genetics
Classification: Uncertain significance for Inborn genetic diseases. Last evaluated: 2023-10-06. Review status: criteria provided, single submitter. Criteria: Ambry Variant Classification Scheme 2023. Collection method: clinical testing. Allele origin: germline.

NM_005219.5(DIAPH1):c.3486G>A (p.Met1162Ile)

Gene: DIAPH1 (diaphanous related formin 1; minus strand). Cytogenetic location: 5q31.3.
Variant type: single nucleotide variant.
Coding change: c.3486G>A on transcript NM_005219.5 (MANE Select); coding-DNA position 3486, G replaced by A.
Protein change: p.Met1162Ile; replaces methionine 1162 with isoleucine.
Molecular consequence: missense variant.
Genome position (GRCh38, 1-based): chr5:141,526,126, C>T on the plus strand (G>A on the coding strand, the complement: DIAPH1 is on the minus strand). VCF-style: chr5-141526126-C-T. GRCh37 (hg19) VCF-style: chr5-140905693-C-T.
Other names: c.3459G>A, p.Met1153Ile (NM_001079812.3); c.3486G>A, p.Met1162Ile (NM_001314007.2); short protein forms M1153I, M1162I.
Identifiers: ClinVar variation 578439 (VCV000578439.8), dbSNP rs747116749, ClinGen allele CA361577443.
Genomic context (GRCh38, chr5:141,526,126, plus strand): 5'-CTTCTGCTGCTTCTCTAGCCGCTCCTTCTCTGCCTTCTCCTTGGCTAGTTTTGCTCGCCT[C>T]ATCTTTTCTTCTGTCTCCCGCCGCTTCTGGTTCTCCTTGACTGCTTGCTGGGGCAGGGAA-3'
Protein context (NP_005210.3, residues 1152-1172): NQKRRETEEK[Met1162Ile]RRAKLAKEKA